The following is an entry in ClinVar:

ClinVar aggregate classification (germline): Likely pathogenic (0 of 4 stars; one submission).

Conditions:
BAAT-related disorder. Also called: BAAT-related condition.

Submission:

PreventionGenetics, part of Exact Sciences
Classification: Likely pathogenic for BAAT-related condition. Last evaluated: 2024-09-27. Review status: no assertion criteria provided. Collection method: clinical testing. Allele origin: germline.
Comment: The BAAT c.584delA variant is predicted to result in a frameshift and premature protein termination (p.Asn195Thrfs*11). To our knowledge, this variant has not been reported in the literature. This variant is reported in 0.011% of alleles in individuals of African descent in gnomAD. Frameshift variants in BAAT are expected to be pathogenic. This variant is interpreted as likely pathogenic.

NM_001701.4(BAAT):c.584del (p.Asn195fs)

Gene: BAAT (bile acid-CoA:amino acid N-acyltransferase; minus strand). Cytogenetic location: 9q31.1.
Variant type: Deletion.
Coding change: c.584del on transcript NM_001701.4 (MANE Select); coding-DNA position 584, one base deleted (A; older notation c.584delA).
Protein change: p.Asn195fs; shifts the reading frame from asparagine 195.
Molecular consequence: frameshift variant.
Genome position (GRCh38, 1-based): chr9:101,368,205, T deleted on the plus strand (A on the coding strand, the reverse complement: BAAT is on the minus strand); the first of 2 consecutive T bases (chr9:101,368,205-101,368,206); deleting either gives the same sequence. VCF-style (leftmost placement, unchanged base first): chr9-101368204-GT-G. GRCh37 (hg19) VCF-style: chr9-104130486-GT-G.
Other names: c.584del, p.Asn195fs (NM_001127610.2, NM_001374715.1); short protein forms N195fs.
Identifiers: ClinVar variation 3347294 (VCV003347294.1).